The following is an entry in ClinVar:

ClinVar aggregate classification (germline): Likely benign. Review status: criteria provided, single submitter (1 of 4 stars). 2 submissions from 2 submitters: Likely benign (1). 1 of the submissions does not count toward it. Last evaluated 2023-12-21.

Conditions:
Alpha-1-antitrypsin deficiency (A1ATD). Also called: AAT deficiency; A1AT deficiency; Alpha1-Antitrypsin Deficiency. Identifiers: Orphanet 60, MedGen C0221757, MONDO:0013282, OMIM 613490.
SERPINA1-related disorder. Also called: SerpinA1-related disorders; SERPINA1-related condition.

Allele frequency attached by ClinVar (database versions not stated): gnomAD 0.00003; TOPMed 0.00005; gnomAD exomes 0.00006; ExAC 0.00008; 1000 Genomes Project 30x 0.00016; 1000 Genomes Project 0.00020.
gnomAD v4.1: 53 of 1,612,774 alleles (0.0033%); highest among the groups gnomAD compares: South Asian, 0.0055%; no homozygotes.

Submissions (2):

Labcorp Genetics (formerly Invitae), Labcorp
Classification: Likely benign for Alpha-1-antitrypsin deficiency. Last evaluated: 2023-12-21. Review status: criteria provided, single submitter. Criteria: Invitae Variant Classification Sherloc (09022015). Collection method: clinical testing. Allele origin: germline.

PreventionGenetics, part of Exact Sciences
Classification: Likely benign for SERPINA1-related condition. Last evaluated: 2019-05-28. Review status: no assertion criteria provided. Collection method: clinical testing. Allele origin: germline. Not counted in ClinVar's aggregate classification.
Comment: This variant is classified as likely benign based on ACMG/AMP sequence variant interpretation guidelines (Richards et al. 2015 PMID: 25741868, with internal and published modifications).

NM_000295.5(SERPINA1):c.1158C>T (p.Pro386=)

Gene: SERPINA1 (serpin family A member 1; minus strand). Cytogenetic location: 14q32.13.
Variant type: single nucleotide variant.
Coding change: c.1158C>T on transcript NM_000295.5 (MANE Select); coding-DNA position 1158, C replaced by T.
Protein change: p.Pro386=; no amino-acid change (proline 386 retained).
Molecular consequence: synonymous variant.
Genome position (GRCh38, 1-based): chr14:94,378,548, G>A on the plus strand (C>T on the coding strand, the complement: SERPINA1 is on the minus strand). VCF-style: chr14-94378548-G-A. GRCh37 (hg19) VCF-style: chr14-94844885-G-A.
Other names: c.1158C>T, p.Pro386= (NM_001002235.3, NM_001002236.3, NM_001127700.2 and 7 more transcripts).
Identifiers: ClinVar variation 698143 (VCV000698143.13), dbSNP rs143329723, ClinGen allele CA7327258.
Genomic context (GRCh38, chr14:94,378,548, plus strand): 5'-GGGAGACTTGGTATTTTGTTCAATCATTAAGAAGACAAAGGGTTTGTTGAACTTGACCTC[G>A]GGGGGGATAGACATGGGTATGGCCTCTAAAAACATGGCCCCAGCAGCTTCAGTCCCTTTC-3'
Protein context (NP_000286.3, residues 376-396): FLEAIPMSIP[Pro386=]EVKFNKPFVF